The following is an entry in ClinVar:

NM_015178.3(RHOBTB2):c.23A>C (p.Glu8Ala)

Gene: RHOBTB2 (Rho related BTB domain containing 2; plus strand). Cytogenetic location: 8p21.3.
Variant type: single nucleotide variant.
Coding change: c.23A>C on transcript NM_015178.3 (MANE Select); coding-DNA position 23, A replaced by C.
Protein change: p.Glu8Ala; replaces glutamic acid 8 with alanine.
Molecular consequence: missense variant.
Genome position (GRCh38, 1-based): chr8:23,004,457, A>C. VCF-style: chr8-23004457-A-C. GRCh37 (hg19) VCF-style: chr8-22861970-A-C.
Other names: c.89A>C, p.Glu30Ala (NM_001160036.2); c.44A>C, p.Glu15Ala (NM_001160037.2); c.23A>C, p.Glu8Ala (NM_001374791.1); short protein forms E15A, E30A, E8A.
Identifiers: ClinVar variation 4538785 (VCV004538785.1).

ClinVar aggregate classification (germline): Uncertain significance (1 of 4 stars; one submission).

Submission:

GeneDx
Classification: Uncertain significance. Last evaluated: 2025-06-18. Review status: criteria provided, single submitter. Criteria: GeneDx Variant Classification Process June 2021. Collection method: clinical testing. Allele origin: germline. Affected: yes.
Comment: Not observed at significant frequency in large population cohorts (gnomAD); In silico analysis supports that this missense variant has a deleterious effect on protein structure/function; Has not been previously published as pathogenic or benign to our knowledge